The following is an entry in ClinVar:

NM_001005242.3(PKP2):c.388T>C (p.Tyr130His)

Gene: PKP2 (plakophilin 2; minus strand). Cytogenetic location: 12p11.21.
Variant type: single nucleotide variant.
Coding change: c.388T>C on transcript NM_001005242.3 (MANE Select); coding-DNA position 388, T replaced by C.
Protein change: p.Tyr130His; replaces tyrosine 130 with histidine.
Molecular consequence: missense variant.
Genome position (GRCh38, 1-based): chr12:32,878,492, A>G on the plus strand (T>C on the coding strand, the complement: PKP2 is on the minus strand). VCF-style: chr12-32878492-A-G. GRCh37 (hg19) VCF-style: chr12-33031426-A-G.
Other names: c.388T>C, p.Tyr130His (NM_001407155.1, NM_001407156.1, NM_001407157.1 and 2 more transcripts); c.61T>C, p.Tyr21His (NM_001407158.1, NM_001407159.1, NM_001407160.1 and 1 more transcripts); short protein forms Y21H, Y130H.
Identifiers: ClinVar variation 2774107 (VCV002774107.2), dbSNP rs2541342895, ClinGen allele CA384365413.

ClinVar aggregate classification (germline): Uncertain significance (1 of 4 stars; one submission).

Conditions:
Cardiomyopathy (CMYO). Also called: Cardiomyopathies. Identifiers: Orphanet 167848, MedGen C0878544, MONDO:0004994, HP:0001638. Inheritance: Various modes of inheritance.

Submission:

Color Diagnostics, LLC DBA Color Health
Classification: Uncertain significance for Cardiomyopathy. Last evaluated: 2024-03-07. Review status: criteria provided, single submitter. Criteria: ACMG Guidelines, 2015. Collection method: clinical testing. Allele origin: germline.
Comment: This missense variant replaces tyrosine with histidine at codon 130 of the PKP2 protein. Computational prediction suggests that this variant may not impact protein structure and function (internally defined REVEL score threshold <= 0.5, PMID: 27666373). To our knowledge, functional studies have not been reported for this variant. This variant has not been reported in individuals affected with cardiovascular disorders in the literature. This variant has not been identified in the general population by the Genome Aggregation Database (gnomAD). The available evidence is insufficient to determine the role of this variant in disease conclusively. Therefore, this variant is classified as a Variant of Uncertain Significance.